The following is an entry in ClinVar:

ClinVar aggregate classification (germline): Uncertain significance (1 of 4 stars; one submission).

Submission:

GeneDx
Classification: Uncertain significance. Last evaluated: 2026-02-26. Review status: criteria provided, single submitter. Criteria: GeneDx Variant Classification Process June 2021. Collection method: clinical testing. Allele origin: germline.
Comment: Not observed at significant frequency in large population cohorts (gnomAD); In silico analysis supports that this missense variant has a deleterious effect on protein structure/function; Has not been previously published as pathogenic or benign to our knowledge

NM_006766.5(KAT6A):c.4632G>C (p.Gln1544His)

Gene: KAT6A (lysine acetyltransferase 6A; minus strand). Cytogenetic location: 8p11.21.
Variant type: single nucleotide variant.
Coding change: c.4632G>C on transcript NM_006766.5 (MANE Select); coding-DNA position 4632, G replaced by C.
Protein change: p.Gln1544His; replaces glutamine 1544 with histidine.
Molecular consequence: missense variant.
Genome position (GRCh38, 1-based): chr8:41,933,588, C>G on the plus strand (G>C on the coding strand, the complement: KAT6A is on the minus strand). VCF-style: chr8-41933588-C-G. GRCh37 (hg19) VCF-style: chr8-41791106-C-G.
Other names: short protein forms Q1544H.
Identifiers: ClinVar variation 5008009 (VCV005008009.1).
Genomic context (GRCh38, chr8:41,933,588, plus strand): 5'-CTCATAGTTTTCAGTGGTGCTCTCAATGCTGCCCAGGTCACTGAAGCCGCTGTCCACCAC[C>G]TGCTGAGAGTGGTCTGATACGGAAGGCACATCCATCATGGGGCTGGTCTCCATGTTCTGC-3'
Protein context (NP_006757.2, residues 1534-1554): DVPSVSDHSQ[Gln1544His]VVDSGFSDLG